The following is an entry in ClinVar:

ClinVar aggregate classification (germline): Uncertain significance (1 of 4 stars; one submission).

Conditions:
Muscular dystrophy-dystroglycanopathy (congenital with impaired intellectual development), type B, 1. Also called: Muscular dystrophy-dystroglycanopathy (congenital with intellectual disability), type B1; MUSCULAR DYSTROPHY, CONGENITAL, POMT1-RELATED. Identifiers: MedGen C5436962, MONDO:0013159, OMIM 613155.
Walker-Warburg congenital muscular dystrophy. Also called: Muscular dystrophy-dystroglycanopathy, type A; Walker-Warburg syndrome. Identifiers: Orphanet 899, MedGen C0265221, MONDO:0000171.
Autosomal recessive limb-girdle muscular dystrophy type 2K. Also called: MUSCULAR DYSTROPHY-DYSTROGLYCANOPATHY (LIMB-GIRDLE), TYPE C, 1; MUSCULAR DYSTROPHY, LIMB-GIRDLE, TYPE 2K. Identifiers: Orphanet 86812, MedGen C1836373, MONDO:0012248, OMIM 609308.

Submission:

Labcorp Genetics (formerly Invitae), Labcorp
Classification: Uncertain significance for Muscular dystrophy-dystroglycanopathy (congenital with impaired intellectual development), type B, 1; Walker-Warburg congenital muscular dystrophy; Autosomal recessive limb-girdle muscular dystrophy type 2K. Last evaluated: 2022-03-14. Review status: criteria provided, single submitter. Criteria: Invitae Variant Classification Sherloc (09022015). Collection method: clinical testing. Allele origin: germline.
Comment: This sequence change replaces lysine, which is basic and polar, with arginine, which is basic and polar, at codon 178 of the POMT1 protein (p.Lys178Arg). Algorithms developed to predict the effect of missense changes on protein structure and function output the following: SIFT: "Tolerated"; PolyPhen-2: "Benign"; Align-GVGD: "Class C0". The arginine amino acid residue is found in multiple mammalian species, which suggests that this missense change does not adversely affect protein function. This variant has not been reported in the literature in individuals affected with POMT1-related conditions. This variant is not present in population databases (gnomAD no frequency). In summary, the available evidence is currently insufficient to determine the role of this variant in disease. Therefore, it has been classified as a Variant of Uncertain Significance.

NM_001077365.2(POMT1):c.533A>G (p.Lys178Arg)

Gene: POMT1 (protein O-mannosyltransferase 1; plus strand). Cytogenetic location: 9q34.13.
Variant type: single nucleotide variant.
Coding change: c.533A>G on transcript NM_001077365.2 (MANE Select); coding-DNA position 533, A replaced by G.
Protein change: p.Lys178Arg; replaces lysine 178 with arginine.
Molecular consequence: missense variant. On other transcripts: non-coding transcript variant (8).
Genome position (GRCh38, 1-based): chr9:131,509,016, A>G. VCF-style: chr9-131509016-A-G. GRCh37 (hg19) VCF-style: chr9-134384403-A-G.
Other names: c.371A>G, p.Lys124Arg (NM_001077366.2, NM_001353194.2, NM_001353197.2 and 3 more transcripts); c.533A>G, p.Lys178Arg (NM_001136113.2, NM_001353193.2, NM_001374690.1 and 1 more transcripts); c.182A>G, p.Lys61Arg (NM_001136114.2, NM_001353195.2, NM_001353199.2 and 2 more transcripts); c.443A>G, p.Lys148Arg (NM_001353196.2); c.77A>G, p.Lys26Arg (NM_001353200.2, NM_001374695.1); c.-604A>G (NM_001411024.1); short protein forms K124R, K148R, K61R, K178R, K26R.
Identifiers: ClinVar variation 2157834 (VCV002157834.4), dbSNP rs1262624042, ClinGen allele CA375307096.
Genomic context (GRCh38, chr9:131,509,016, plus strand): 5'-TGTTAATATTTTTCAATCTATTGGCCGTGTTGTCCTACCTGAAGTTCTTCAACTGCCAAA[A>G]GCACAGGTATGGAAAATGGAGTGTCTTCCTAGTTAACGAGAACAGAGATTCTGGGTGGTT-3'
Protein context (NP_001070833.1, residues 168-188): LSYLKFFNCQ[Lys178Arg]HSPFSLSWWF